The following is an entry in ClinVar:

NM_000540.3(RYR1):c.7199A>G (p.Asp2400Gly)

Gene: RYR1 (ryanodine receptor 1; plus strand). Cytogenetic location: 19q13.2.
Variant type: single nucleotide variant.
Coding change: c.7199A>G on transcript NM_000540.3 (MANE Select); coding-DNA position 7199, A replaced by G.
Protein change: p.Asp2400Gly; replaces aspartic acid 2400 with glycine.
Molecular consequence: missense variant.
Genome position (GRCh38, 1-based): chr19:38,499,806, A>G. VCF-style: chr19-38499806-A-G. GRCh37 (hg19) VCF-style: chr19-38990446-A-G.
Other names: NM_000540.2(RYR1):c.7199A>G; p.Asp2400Gly; c.7199A>G, p.Asp2400Gly (NM_001042723.2); short protein forms D2400G.
Identifiers: ClinVar variation 582065 (VCV000582065.26), dbSNP rs976108591, ClinGen allele CA308109644.

ClinVar aggregate classification (germline): Uncertain significance. Review status: reviewed by expert panel (3 of 4 stars). 10 submissions from 10 submitters: Uncertain significance (1). 9 of the submissions do not count toward it. Last evaluated 2025-08-01.

Conditions:
RYR1-related disorder. Also called: RYR1-related condition; RYR1-related disorders. Identifiers: MedGen CN239331.
Central core myopathy (CMYO1A). Also called: CONGENITAL MYOPATHY 1A, AUTOSOMAL DOMINANT, WITH SUSCEPTIBILITY TO MALIGNANT HYPERTHERMIA; Central core disease; Myopathy, central fibrillar. Identifiers: Orphanet 597, MedGen C5830701, MONDO:0007294, OMIM 117000.
Malignant hyperthermia, susceptibility to, 1 (MHS1). Also called: Anesthesia related hyperthermia; Malignant hyperpyrexia; Fulminating hyperpyrexia; Pharmacogenic myopathy; RYR1-Related Malignant Hyperthermia Susceptibility; Malignant hyperthermia suceptibility 1. Identifiers: Orphanet 423, MedGen C2930980, MONDO:0007783, OMIM 145600.
Congenital multicore myopathy with external ophthalmoplegia (CMYO1B). Also called: MULTICORE MYOPATHY; Minicore myopathy with external ophthalmoplegia; Congenital myopathy 1B, autosomal recessive; Minicore myopathy; MULTIMINICORE DISEASE WITH EXTERNAL OPHTHALMOPLEGIA. Identifiers: Orphanet 598, Orphanet 98905, MedGen C1850674, MONDO:0009712, OMIM 255320, HP:0003789.
King Denborough syndrome (KDS). Identifiers: MedGen C1840365, MONDO:0020485, OMIM 619542.

Allele frequency attached by ClinVar (database versions not stated): gnomAD 0.00001; gnomAD exomes 0.00001; TOPMed 0.00002.
gnomAD v4.1: 21 of 1,605,124 alleles (0.0013%); highest among the groups gnomAD compares: African/African-American, 0.0027%; no homozygotes.

Submissions (10):

ClinGen Malignant Hyperthermia Susceptibility Variant Curation Expert Panel, ClinGen
Classification: Uncertain significance for Malignant hyperthermia, susceptibility to, 1. Last evaluated: 2025-08-01. Review status: reviewed by expert panel. Criteria: ClinGen MHS ACMG Specifications V2. Collection method: curation. Allele origin: germline. Inheritance: Autosomal dominant inheritance.
Comment: This pathogenicity assessment is relevant only for malignant hyperthermia susceptibility (MHS) inherited in an autosomal dominant pattern. Variants in RYR1 can also cause other myopathies inherited in an autosomal dominant pattern or in an autosomal recessive pattern. Some of these disorders may predispose individuals to malignant hyperthermia. RYR1 variants may also contribute to a malignant hyperthermia reaction in combination with other genetic and non-genetic factors and the clinician needs to consider such factors in making management decisions. This sequence variant predicts a substitution of aspartic acid with glycine at codon 2400 of the RYR1 protein, p.(Asp2400Gly). The maximum allele frequency for this variant among the six major gnomAD populations is AFR: 0.000085, a frequency consistent with pathogenicity for MHS. To our knowledge, this variant has not been reported in any individuals with a personal or family history of an MH episode and positive in vitro contracture test (IVCT) or caffeine halothane contracture test (CHCT). No functional studies were identified for this variant. This variant resides in a region of RYR1 considered to be a hotspot for pathogenic variants that contribute to MHS, PM1 (PMID: 21118704). A REVEL score of 0.548 supports neither a pathogenic nor a benign status for this variant. This variant has been classified as a Variant of Unknown Significance. Criteria implemented: PM1.

CeGaT Center for Human Genetics Tuebingen
Classification: Uncertain significance. Last evaluated: 2026-05-01. Review status: criteria provided, single submitter. Criteria: CeGaT Center For Human Genetics Tuebingen Variant Classification Criteria Version 2. Collection method: clinical testing. Allele origin: germline. Affected: yes. Observed: 1 variant allele. Not counted in ClinVar's aggregate classification.
Comment: RYR1: PM2, PS4:Supporting

PreventionGenetics, part of Exact Sciences
Classification: Uncertain significance for RYR1-related condition. Last evaluated: 2026-01-16. Review status: criteria provided, single submitter. Criteria: ACMG Guidelines, 2015. Collection method: clinical testing. Allele origin: germline. Not counted in ClinVar's aggregate classification.
Comment: The RYR1 c.7199A>G variant is predicted to result in the amino acid substitution p.Asp2400Gly. This variant has been reported in an individual with malignant hyperthermia susceptibility (Tammaro et al. 2011. PubMed ID: 20681998). The p.Asp2400Gly variant occurs within the sarcoplasm central domain of the RYR1 protein. RYR1 missense variation within this domain have been reported in association with malignant hyperthermia and central core myopathy (Maclennan and Zvaritch. 2011. PubMed ID: 21118704; Witherspoon and Meilleur. 2016. PubMed ID: 27855725). This variant is reported in 0.0085% of alleles in individuals of African descent in gnomAD. At this time, the clinical significance of this variant is uncertain due to the absence of conclusive functional and genetic evidence.

Labcorp Genetics (formerly Invitae), Labcorp
Classification: Likely pathogenic for RYR1-related disorder. Last evaluated: 2025-10-09. Review status: criteria provided, single submitter. Criteria: Invitae Variant Classification Sherloc (09022015). Collection method: clinical testing. Allele origin: germline. Not counted in ClinVar's aggregate classification.
Comment: This sequence change replaces aspartic acid, which is acidic and polar, with glycine, which is neutral and non-polar, at codon 2400 of the RYR1 protein (p.Asp2400Gly). This variant is present in population databases (no rsID available, gnomAD 0.004%). This missense change has been observed in individual(s) with malignant hyperthermia susceptibility (PMID: 20681998; internal data). ClinVar contains an entry for this variant (Variation ID: 582065). Invitae Evidence Modeling of protein sequence and biophysical properties (such as structural, functional, and spatial information, amino acid conservation, physicochemical variation, residue mobility, and thermodynamic stability) indicates that this missense variant is not expected to disrupt RYR1 protein function with a negative predictive value of 80%. In summary, the currently available evidence indicates that the variant is pathogenic, but additional data are needed to prove that conclusively. Therefore, this variant has been classified as Likely Pathogenic.

Women's Health and Genetics/Laboratory Corporation of America, LabCorp
Classification: Uncertain significance. Last evaluated: 2025-09-16. Review status: criteria provided, single submitter. Criteria: LabCorp Variant Classification Summary - May 2015. Collection method: clinical testing. Allele origin: germline. Not counted in ClinVar's aggregate classification.
Comment: Variant summary: RYR1 c.7199A>G (p.Asp2400Gly) results in a non-conservative amino acid change in the encoded protein sequence. Algorithms developed to predict the effect of missense changes on protein structure and function all suggest that this variant is likely to be disruptive. The variant allele was found at a frequency of 8.5e-06 in 236076 control chromosomes (gnomAD). c.7199A>G has been observed in individuals affected with Malignant Hyperthermia Susceptibility (Tammaro_2011, internal data). These data indicate that the variant may be associated with disease. To our knowledge, no experimental evidence demonstrating an impact on protein function has been reported. The following publication has been ascertained in the context of this evaluation (PMID: 20681998). ClinVar contains an entry for this variant (Variation ID: 582065). Based on the evidence outlined above, the variant was classified as VUS-possibly pathogenic.

Blueprint Genetics
Classification: Uncertain significance. Last evaluated: 2024-07-29. Review status: criteria provided, single submitter. Criteria: ACMG Guidelines, 2015. Collection method: clinical testing. Allele origin: germline. Not counted in ClinVar's aggregate classification.

All of Us Research Program, National Institutes of Health
Classification: Uncertain significance for Malignant hyperthermia, susceptibility to, 1. Last evaluated: 2024-06-11. Review status: criteria provided, single submitter. Criteria: ACMG Guidelines, 2015. Collection method: clinical testing. Allele origin: germline. Inheritance: Autosomal dominant inheritance. Observed: 10 variant alleles, 10 heterozygotes. Not counted in ClinVar's aggregate classification.
Comment: This missense variant replaces aspartic acid with glycine at codon 2400 of the RYR1 protein. Computational prediction is inconclusive regarding the impact of this variant on protein structure and function (internally defined REVEL score threshold 0.5 < inconclusive < 0.7, PMID: 27666373). To our knowledge, functional studies have not been reported for this variant. This variant has been reported in at least one individual affected with malignant hyperthermia susceptibility (PMID: 20681998). This variant has been identified in 4/267384 chromosomes in the general population by the Genome Aggregation Database (gnomAD). The available evidence is insufficient to determine the role of this variant in disease conclusively. Therefore, this variant is classified as a Variant of Uncertain Significance.

This study involves interpretation of variants in research participants for the purpose of population health screening. Participant phenotype was not available at the time of variant classification. Additional details can be found in publication PMID: 35346344, PMCID: PMC8962531

Revvity Omics, Revvity
Classification: Uncertain significance. Last evaluated: 2023-04-24. Review status: criteria provided, single submitter. Criteria: ACMG Guidelines, 2015. Collection method: clinical testing. Allele origin: germline. Not counted in ClinVar's aggregate classification.

GeneDx
Classification: Uncertain significance. Last evaluated: 2021-05-26. Review status: criteria provided, single submitter. Criteria: GeneDx Variant Classification Process June 2021. Collection method: clinical testing. Allele origin: germline. Affected: yes. Not counted in ClinVar's aggregate classification.
Comment: Identified in an individual with a sporadic case of malignant hyperthermia susceptibility; family members were not available for segregation analysis and only analysis of the RYR1 gene was performed (Tammaro et al., 2011); Not observed at significant frequency in large population cohorts (Lek et al., 2016); In silico analysis supports that this missense variant does not alter protein structure/function This variant is associated with the following publications: (PMID: 20681998)

Department of Pathology and Laboratory Medicine, Sinai Health System
Classification: Uncertain significance for Central core myopathy; Malignant hyperthermia, susceptibility to, 1; Congenital multicore myopathy with external ophthalmoplegia; King Denborough syndrome. Last evaluated: 2020-04-29. Review status: criteria provided, single submitter. Criteria: ACMG Guidelines, 2015. Collection method: research. Allele origin: germline. Not counted in ClinVar's aggregate classification.

Literature cited by the submitters: PubMed 20681998 (cited by 3 submitters).